The following is an entry in ClinVar:

NM_001378454.1(ALMS1):c.1706C>T (p.Thr569Ile)

Gene: ALMS1 (ALMS1 centrosome and basal body associated protein; plus strand). Cytogenetic location: 2p13.1.
Variant type: single nucleotide variant.
Coding change: c.1706C>T on transcript NM_001378454.1 (MANE Select); coding-DNA position 1706, C replaced by T.
Protein change: p.Thr569Ile; replaces threonine 569 with isoleucine.
Molecular consequence: missense variant.
Genome position (GRCh38, 1-based): chr2:73,448,233, C>T. VCF-style: chr2-73448233-C-T. GRCh37 (hg19) VCF-style: chr2-73675360-C-T.
Other names: c.1709C>T, p.Thr570Ile (NM_015120.4); short protein forms T569I, T570I.
Identifiers: ClinVar variation 5017334 (VCV005017334.1).

ClinVar aggregate classification (germline): Uncertain significance (1 of 4 stars; one submission).

Submission:

GeneDx
Classification: Uncertain significance. Last evaluated: 2026-03-26. Review status: criteria provided, single submitter. Criteria: GeneDx Variant Classification Process June 2021. Collection method: clinical testing. Allele origin: germline.
Comment: Not observed at significant frequency in large population cohorts (gnomAD); In silico analysis suggests that this missense variant does not alter protein structure/function; Has not been previously published as pathogenic or benign to our knowledge